The following is an entry in ClinVar:

NM_001270.4(CHD1):c.4621A>G (p.Arg1541Gly)

Gene: CHD1 (chromodomain helicase DNA binding protein 1; minus strand). Cytogenetic location: 5q15.
Variant type: single nucleotide variant.
Coding change: c.4621A>G on transcript NM_001270.4 (MANE Select); coding-DNA position 4621, A replaced by G.
Protein change: p.Arg1541Gly; replaces arginine 1541 with glycine.
Molecular consequence: missense variant. On other transcripts: non-coding transcript variant (2).
Genome position (GRCh38, 1-based): chr5:98,858,346, T>C on the plus strand (A>G on the coding strand, the complement: CHD1 is on the minus strand). VCF-style: chr5-98858346-T-C. GRCh37 (hg19) VCF-style: chr5-98194050-T-C.
Other names: c.4885A>G, p.Arg1629Gly (NM_001364113.3); c.4621A>G, p.Arg1541Gly (NM_001376194.2); short protein forms R1629G, R1541G.
Identifiers: ClinVar variation 4994281 (VCV004994281.1).

ClinVar aggregate classification (germline): Uncertain significance (1 of 4 stars; one submission).

Conditions:
CHD1-related disorder. Also called: CHD1-related condition.

gnomAD v4.1: 1 of 1,613,078 alleles (0.000062%); highest among the groups gnomAD compares: Non-Finnish European, 0.000085%; no homozygotes.

Submission:

PreventionGenetics, part of Exact Sciences
Classification: Uncertain significance for CHD1-related condition. Last evaluated: 2026-07-23. Review status: criteria provided, single submitter. Criteria: ACMG Guidelines, 2015. Collection method: clinical testing. Allele origin: germline.
Comment: The CHD1 c.4621A>G variant is predicted to result in the amino acid substitution p.Arg1541Gly. To our knowledge, this variant has not been reported in the literature or in a large population database (gnomAD), indicating this variant is rare. At this time, the clinical significance of this variant is uncertain due to the absence of conclusive functional and genetic evidence.